The following is an entry in ClinVar:

ClinVar aggregate classification (germline): Uncertain significance (1 of 4 stars; one submission).

Conditions:
Familial adenomatous polyposis 1 (FAP1). Also called: POLYPOSIS, ADENOMATOUS INTESTINAL; FAMILIAL ADENOMATOUS POLYPOSIS 1, ATTENUATED. Identifiers: MedGen C2713442, MONDO:0021056, OMIM 175100. Disease mechanism: loss of function.

Submission:

Labcorp Genetics (formerly Invitae), Labcorp
Classification: Uncertain significance for Familial adenomatous polyposis 1. Last evaluated: 2024-08-03. Review status: criteria provided, single submitter. Criteria: Invitae Variant Classification Sherloc (09022015). Collection method: clinical testing. Allele origin: germline.
Comment: This sequence change replaces asparagine, which is neutral and polar, with aspartic acid, which is acidic and polar, at codon 1908 of the APC protein (p.Asn1908Asp). This variant is not present in population databases (gnomAD no frequency). This variant has not been reported in the literature in individuals affected with APC-related conditions. Advanced modeling of protein sequence and biophysical properties (such as structural, functional, and spatial information, amino acid conservation, physicochemical variation, residue mobility, and thermodynamic stability) performed at Invitae indicates that this missense variant is not expected to disrupt APC protein function with a negative predictive value of 95%. In summary, the available evidence is currently insufficient to determine the role of this variant in disease. Therefore, it has been classified as a Variant of Uncertain Significance.

NM_000038.6(APC):c.5722A>G (p.Asn1908Asp)

Gene: APC (APC regulator of Wnt signaling pathway; plus strand). Cytogenetic location: 5q22.2.
Variant type: single nucleotide variant.
Coding change: c.5722A>G on transcript NM_000038.6 (MANE Select); coding-DNA position 5722, A replaced by G.
Protein change: p.Asn1908Asp; replaces asparagine 1908 with aspartic acid.
Molecular consequence: missense variant. On other transcripts: non-coding transcript variant (2).
Genome position (GRCh38, 1-based): chr5:112,841,316, A>G. VCF-style: chr5-112841316-A-G. GRCh37 (hg19) VCF-style: chr5-112177013-A-G.
Other names: c.5722A>G, p.Asn1908Asp (NM_001127510.3, NM_001354895.2, NM_001407450.1); c.5668A>G, p.Asn1890Asp (NM_001127511.3); c.5776A>G, p.Asn1926Asp (NM_001354896.2, NM_001407447.1, NM_001407448.1 and 1 more transcripts); c.5752A>G, p.Asn1918Asp (NM_001354897.2); c.5647A>G, p.Asn1883Asp (NM_001354898.2); c.5638A>G, p.Asn1880Asp (NM_001354899.2); c.5599A>G, p.Asn1867Asp (NM_001354900.2); c.5545A>G, p.Asn1849Asp (NM_001354901.2, NM_001407453.1); and 11 more; short protein forms N1817D, N1825D, N1880D, N1936D, N1524D, N1625D, N1748D, N1779D.
Identifiers: ClinVar variation 3708779 (VCV003708779.2).
Genomic context (GRCh38, chr5:112,841,316, plus strand): 5'-AAGGAATCAGAGGCTAAAGTTACCAGCCACACAGAACTAACCTCCAACCAACAATCAGCT[A>G]ATAAGACACAAGCTATTGCAAAGCAGCCAATAAATCGAGGTCAGCCTAAACCCATACTTC-3'
Protein context (NP_000029.2, residues 1898-1918): TELTSNQQSA[Asn1908Asp]KTQAIAKQPI